The following is an entry in ClinVar:

NM_001080414.4(CCDC88C):c.3072C>T (p.Phe1024=)

Gene: CCDC88C (coiled-coil and HOOK domain protein 88C; minus strand). Cytogenetic location: 14q32.11.
Variant type: single nucleotide variant.
Coding change: c.3072C>T on transcript NM_001080414.4 (MANE Select); coding-DNA position 3072, C replaced by T.
Protein change: p.Phe1024=; no amino-acid change (phenylalanine 1024 retained).
Molecular consequence: synonymous variant.
Genome position (GRCh38, 1-based): chr14:91,307,161, G>A on the plus strand (C>T on the coding strand, the complement: CCDC88C is on the minus strand). VCF-style: chr14-91307161-G-A. GRCh37 (hg19) VCF-style: chr14-91773505-G-A.
Identifiers: ClinVar variation 2900527 (VCV002900527.4), dbSNP rs762288121, ClinGen allele CA7309465.

ClinVar aggregate classification (germline): Likely benign. Review status: criteria provided, multiple submitters, no conflicts (2 of 4 stars). 2 submissions from 2 submitters: Likely benign (2). Last evaluated 2024-07-02.

gnomAD v4.1: 13 of 1,613,822 alleles (0.00081%); highest among the groups gnomAD compares: South Asian, 0.0033%; no homozygotes.

Submissions (2):

Women's Health and Genetics/Laboratory Corporation of America, LabCorp
Classification: Likely benign. Last evaluated: 2024-07-02. Review status: criteria provided, single submitter. Criteria: LabCorp Variant Classification Summary - May 2015. Collection method: clinical testing. Allele origin: germline.
Comment: Variant summary: CCDC88C c.3072C>T alters a conserved nucleotide resulting in a synonymous change. Consensus agreement among computation tools predict no significant impact on normal splicing. However, these predictions have yet to be confirmed by functional studies. The variant allele was found at a frequency of 1.2e-05 in 249158 control chromosomes. The available data on variant occurrences in the general population are insufficient to allow any conclusion about variant significance. To our knowledge, no occurrence of c.3072C>T in individuals affected with CCDC88C-Related Disorders and no experimental evidence demonstrating its impact on protein function have been reported. ClinVar contains an entry for this variant (Variation ID: 2900527). Based on the evidence outlined above, the variant was classified as likely benign.

Labcorp Genetics (formerly Invitae), Labcorp
Classification: Likely benign. Last evaluated: 2024-06-13. Review status: criteria provided, single submitter. Criteria: Invitae Variant Classification Sherloc (09022015). Collection method: clinical testing. Allele origin: germline.